The following is an entry in ClinVar:

NM_000282.4(PCCA):c.954del (p.Glu318fs)

Gene: PCCA (propionyl-CoA carboxylase subunit alpha; plus strand). Cytogenetic location: 13q32.3.
Variant type: Deletion.
Coding change: c.954del on transcript NM_000282.4 (MANE Select); coding-DNA position 954, one base deleted (A; older notation c.954delA).
Protein change: p.Glu318fs; shifts the reading frame from glutamic acid 318.
Molecular consequence: frameshift variant. On other transcripts: non-coding transcript variant (5).
Genome position (GRCh38, 1-based): chr13:100,273,235, A deleted; the last of 2 consecutive A bases (chr13:100,273,234-100,273,235); deleting either gives the same sequence. VCF-style (leftmost placement, unchanged base first): chr13-100273233-GA-G. GRCh37 (hg19) VCF-style: chr13-100925487-GA-G.
Other names: c.954del, p.Glu318fs (NM_001178004.2, NM_001352605.2, NM_001352606.2 and 1 more transcripts); c.876del, p.Glu292fs (NM_001352607.2, NM_001352608.2, NM_001127692.3); c.9del, p.Glu3fs (NM_001352610.2, NM_001352611.2, NM_001352612.2); short protein forms E292fs, E318fs, E3fs.
Identifiers: ClinVar variation 4715369 (VCV004715369.1).

ClinVar aggregate classification (germline): Pathogenic (1 of 4 stars; one submission).

Conditions:
Propionic acidemia (PROP). Also called: GLYCINEMIA, KETOTIC; HYPERGLYCINEMIA WITH KETOACIDOSIS AND LEUKOPENIA; KETOTIC HYPERGLYCINEMIA. Identifiers: Orphanet 35, MedGen C0268579, MONDO:0011628, OMIM 606054, HP:0003571.

Submission:

Labcorp Genetics (formerly Invitae), Labcorp
Classification: Pathogenic for Propionic acidemia. Last evaluated: 2025-03-18. Review status: criteria provided, single submitter. Criteria: Invitae Variant Classification Sherloc (09022015). Collection method: clinical testing. Allele origin: germline.
Comment: This sequence change creates a premature translational stop signal (p.Glu318Aspfs*4) in the PCCA gene. It is expected to result in an absent or disrupted protein product. Loss-of-function variants in PCCA are known to be pathogenic (PMID: 15464417). This variant is not present in population databases (gnomAD no frequency). This variant has not been reported in the literature in individuals affected with PCCA-related conditions. For these reasons, this variant has been classified as Pathogenic.

Literature cited by the submitters: PubMed 15464417.